The following is an entry in ClinVar:

ClinVar aggregate classification (germline): Pathogenic (1 of 4 stars; one submission).

gnomAD v4.1: 1 of 1,614,050 alleles (0.000062%); highest among the groups gnomAD compares: South Asian, 0.0011%; no homozygotes.

Submission:

Labcorp Genetics (formerly Invitae), Labcorp
Classification: Pathogenic. Last evaluated: 2023-06-28. Review status: criteria provided, single submitter. Criteria: Invitae Variant Classification Sherloc (09022015). Collection method: clinical testing. Allele origin: germline.
Comment: This variant is not present in population databases (gnomAD no frequency). This variant has not been reported in the literature in individuals affected with ELP1-related conditions. For these reasons, this variant has been classified as Pathogenic. This sequence change creates a premature translational stop signal (p.Trp508*) in the ELP1 gene. It is expected to result in an absent or disrupted protein product. Loss-of-function variants in ELP1 are known to be pathogenic (PMID: 18303054, 24173031).

Literature cited by the submitters: PubMed 18303054; PubMed 24173031.

NM_003640.5(ELP1):c.1524G>A (p.Trp508Ter)

Gene: ELP1 (elongator acetyltransferase complex subunit 1; minus strand). Cytogenetic location: 9q31.3.
Variant type: single nucleotide variant.
Coding change: c.1524G>A on transcript NM_003640.5 (MANE Select); coding-DNA position 1524, G replaced by A.
Protein change: p.Trp508Ter; replaces tryptophan 508 with a stop codon.
Molecular consequence: nonsense.
Genome position (GRCh38, 1-based): chr9:108,906,422, C>T on the plus strand (G>A on the coding strand, the complement: ELP1 is on the minus strand). VCF-style: chr9-108906422-C-T. GRCh37 (hg19) VCF-style: chr9-111668702-C-T.
Other names: c.1182G>A, p.Trp394Ter (NM_001318360.2); c.477G>A, p.Trp159Ter (NM_001330749.2); short protein forms W394*, W159*, W508*.
Identifiers: ClinVar variation 2732353 (VCV002732353.3), dbSNP rs2537912885, ClinGen allele CA374427612.